The following is an entry in ClinVar:

ClinVar aggregate classification (germline): Likely benign (0 of 4 stars; one submission).

Conditions:
CREBBP-related disorder. Also called: CREBBP-related condition; CREBBP-related disorders.

gnomAD v4.1: 6 of 1,613,972 alleles (0.00037%); highest among the groups gnomAD compares: Non-Finnish European, 0.00051%; no homozygotes.

Submission:

PreventionGenetics, part of Exact Sciences
Classification: Likely benign for CREBBP-related condition. Last evaluated: 2024-05-29. Review status: no assertion criteria provided. Collection method: clinical testing. Allele origin: germline.
Comment: This variant is classified as likely benign based on ACMG/AMP sequence variant interpretation guidelines (Richards et al. 2015 PMID: 25741868, with internal and published modifications).

NM_004380.3(CREBBP):c.*7G>A

Gene: CREBBP (CREB binding lysine acetyltransferase; minus strand). Cytogenetic location: 16p13.3.
Variant type: single nucleotide variant.
Coding change: c.*7G>A on transcript NM_004380.3 (MANE Select); 7 bases downstream of the stop codon, G replaced by A.
Molecular consequence: 3 prime UTR variant.
Genome position (GRCh38, 1-based): chr16:3,727,711, C>T on the plus strand (G>A on the coding strand, the complement: CREBBP is on the minus strand). VCF-style: chr16-3727711-C-T. GRCh37 (hg19) VCF-style: chr16-3777712-C-T.
Other names: c.*7G>A (NM_001079846.1).
Identifiers: ClinVar variation 3347787 (VCV003347787.1).